The following is an entry in ClinVar:

NM_000051.4(ATM):c.1270C>A (p.Pro424Thr)

Gene: ATM (ATM serine/threonine kinase; plus strand). Cytogenetic location: 11q22.3.
Variant type: single nucleotide variant.
Coding change: c.1270C>A on transcript NM_000051.4 (MANE Select); coding-DNA position 1270, C replaced by A.
Protein change: p.Pro424Thr; replaces proline 424 with threonine.
Molecular consequence: missense variant.
Genome position (GRCh38, 1-based): chr11:108,250,735, C>A. VCF-style: chr11-108250735-C-A. GRCh37 (hg19) VCF-style: chr11-108121462-C-A.
Other names: c.1270C>A, p.Pro424Thr (NM_001351834.2); short protein forms P424T.
Identifiers: ClinVar variation 818750 (VCV000818750.5), dbSNP rs1591522957, ClinGen allele CA382533399.
Genomic context (GRCh38, chr11:108,250,735, plus strand): 5'-AAATTATCCTTTTTTTTTTTTTTTAGGCTACAGATTGCAACCCAATTAATATCAAAGTAT[C>A]CTGCAAGTTTACCTAACTGTGAGCTGTCTCCATTACTGATGATACTATCTCAGCTTCTAC-3'
Protein context (NP_000042.3, residues 414-434): QIATQLISKY[Pro424Thr]ASLPNCELSP

ClinVar aggregate classification (germline): Uncertain significance (1 of 4 stars; one submission).

Conditions:
Hereditary cancer-predisposing syndrome. Also called: Tumor predisposition; Hereditary neoplastic syndrome; Neoplastic Syndromes, Hereditary; Hereditary Cancer Syndrome. Identifiers: Orphanet 140162, MedGen C0027672, MeSH D009386, MONDO:0015356.

Submission:

Ambry Genetics
Classification: Uncertain significance for Hereditary cancer-predisposing syndrome. Last evaluated: 2024-09-26. Review status: criteria provided, single submitter. Criteria: Ambry Variant Classification Scheme 2023. Collection method: clinical testing. Allele origin: germline.
Comment: The p.P424T variant (also known as c.1270C>A), located in coding exon 9 of the ATM gene, results from a C to A substitution at nucleotide position 1270. The proline at codon 424 is replaced by threonine, an amino acid with highly similar properties. This amino acid position is highly conserved in available vertebrate species. In addition, the in silico prediction for this alteration is inconclusive. Based on the available evidence, the clinical significance of this variant remains unclear.